The following is an entry in ClinVar:

ClinVar aggregate classification (germline): Conflicting classifications of pathogenicity. Review status: criteria provided, conflicting classifications (1 of 4 stars). 3 submissions from 3 submitters: Uncertain significance (2); Likely benign (1). Last evaluated 2026-01-01.

Conditions:
Creatine transporter deficiency (CCDS1). Also called: Creatine Transporter (CRTR) Deficiency; Mental retardation , X-linked with seizures, short stature and midface hypoplasia; Mental retardation , X-linked, with creatine transport deficiency; X-linked creatine transporter deficiency; X-linked creatine deficiency syndrome; SLC6A8-Related Creatine Transporter Deficiency. Identifiers: Orphanet 52503, MedGen C1845862, MONDO:0010305, OMIM 300352.

Allele frequency attached by ClinVar (database versions not stated): gnomAD 0.00001; gnomAD exomes 0.00002; TOPMed 0.00002; ExAC 0.00004.
gnomAD v4.1: 25 of 1,183,721 alleles (0.0021%); highest among the groups gnomAD compares: Admixed American, 0.007%; no homozygotes.

Submissions (3):

CeGaT Center for Human Genetics Tuebingen
Classification: Likely benign. Last evaluated: 2026-01-01. Review status: criteria provided, single submitter. Criteria: CeGaT Center For Human Genetics Tuebingen Variant Classification Criteria Version 2. Collection method: clinical testing. Allele origin: germline. Affected: yes. Observed: 3 variant alleles.
Comment: SLC6A8: BS2

Labcorp Genetics (formerly Invitae), Labcorp
Classification: Uncertain significance for Creatine transporter deficiency. Last evaluated: 2024-02-05. Review status: criteria provided, single submitter. Criteria: Invitae Variant Classification Sherloc (09022015). Collection method: clinical testing. Allele origin: germline.
Comment: This sequence change replaces valine, which is neutral and non-polar, with methionine, which is neutral and non-polar, at codon 630 of the SLC6A8 protein (p.Val630Met). The frequency data for this variant in the population databases is considered unreliable, as metrics indicate poor data quality at this position in the gnomAD database. This variant has not been reported in the literature in individuals affected with SLC6A8-related conditions. ClinVar contains an entry for this variant (Variation ID: 579905). Advanced modeling of protein sequence and biophysical properties (such as structural, functional, and spatial information, amino acid conservation, physicochemical variation, residue mobility, and thermodynamic stability) performed at Invitae indicates that this missense variant is not expected to disrupt SLC6A8 protein function with a negative predictive value of 95%. In summary, the available evidence is currently insufficient to determine the role of this variant in disease. Therefore, it has been classified as a Variant of Uncertain Significance.

Blueprint Genetics
Classification: Uncertain significance. Last evaluated: 2023-06-19. Review status: criteria provided, single submitter. Criteria: ACMG Guidelines, 2015. Collection method: clinical testing. Allele origin: germline.

NM_005629.4(SLC6A8):c.1888G>A (p.Val630Met)

Gene: SLC6A8 (solute carrier family 6 member 8; plus strand). Cytogenetic location: Xq28.
Variant type: single nucleotide variant.
Coding change: c.1888G>A on transcript NM_005629.4 (MANE Select); coding-DNA position 1888, G replaced by A.
Protein change: p.Val630Met; replaces valine 630 with methionine.
Molecular consequence: missense variant.
Genome position (GRCh38, 1-based): chrX:153,695,194, G>A. VCF-style: chrX-153695194-G-A. GRCh37 (hg19) VCF-style: chrX-152960649-G-A.
Other names: c.1858G>A, p.Val620Met (NM_001142805.2); c.1543G>A, p.Val515Met (NM_001142806.1); short protein forms V630M, V515M, V620M.
Identifiers: ClinVar variation 579905 (VCV000579905.43), dbSNP rs373570632, ClinGen allele CA10549679.
Genomic context (GRCh38, chrX:153,695,194, plus strand): 5'-GACGCAGATGTCAGGGGCCTGACCACCCTGACCCCAGTGTCCGAGAGCAGCAAGGTCGTC[G>A]TGGTGGAGAGTGTCATGTGACAACTCAGCTCACATCACCAGCTCACCTCTGGTAGCCATA-3'
Protein context (NP_005620.1, residues 620-635): TPVSESSKVV[Val630Met]VESVM